The following is an entry in ClinVar:

ClinVar aggregate classification (germline): Benign (1 of 4 stars; one submission).

Conditions:
Familial cancer of breast. Also called: Hereditary breast cancer; BREAST CANCER, FAMILIAL; hereditary breast carcinoma. Identifiers: Orphanet 227535, MedGen C0346153, MONDO:0016419, OMIM 114480. Disease mechanism: loss of function.

Submission:

Myriad Genetics, Inc.
Classification: Benign for Familial cancer of breast. Last evaluated: 2024-10-08. Review status: criteria provided, single submitter. Criteria: Myriad Autosomal Dominant, Autosomal Recessive and X-Linked Classification Criteria (2023). Collection method: clinical testing. Allele origin: unknown.
Comment: This variant is considered benign. This variant is a silent/synonymous amino acid change and it is not expected to impact splicing.

NM_007194.4(CHEK2):c.1494T>A (p.Leu498=)

Gene: CHEK2 (checkpoint kinase 2; minus strand). Cytogenetic location: 22q12.1.
Variant type: single nucleotide variant.
Coding change: c.1494T>A on transcript NM_007194.4 (MANE Select); coding-DNA position 1494, T replaced by A.
Protein change: p.Leu498=; no amino-acid change (leucine 498 retained).
Molecular consequence: synonymous variant.
Genome position (GRCh38, 1-based): chr22:28,689,183, A>T on the plus strand (T>A on the coding strand, the complement: CHEK2 is on the minus strand). VCF-style: chr22-28689183-A-T. GRCh37 (hg19) VCF-style: chr22-29085171-A-T.
Other names: c.1623T>A, p.Leu541= (NM_001005735.3); c.831T>A, p.Leu277= (NM_001257387.3); c.1293T>A, p.Leu431= (NM_001349956.3); c.1407T>A, p.Leu469= (NM_145862.3).
Identifiers: ClinVar variation 3772853 (VCV003772853.1).